The following is an entry in ClinVar:

NM_001291303.3(FAT4):c.12358A>G (p.Ile4120Val)

Gene: FAT4 (FAT atypical cadherin 4; plus strand). Cytogenetic location: 4q28.1.
Variant type: single nucleotide variant.
Coding change: c.12358A>G on transcript NM_001291303.3 (MANE Select); coding-DNA position 12358, A replaced by G.
Protein change: p.Ile4120Val; replaces isoleucine 4120 with valine.
Molecular consequence: missense variant.
Genome position (GRCh38, 1-based): chr4:125,477,213, A>G. VCF-style: chr4-125477213-A-G. GRCh37 (hg19) VCF-style: chr4-126398368-A-G.
Other names: c.12358A>G, p.Ile4120Val (NM_001291285.3); c.12352A>G, p.Ile4118Val (NM_024582.6); c.12352A>G (NM_024582.5); short protein forms I4118V, I4120V.
Identifiers: ClinVar variation 1191299 (VCV001191299.5), dbSNP rs372543077, ClinGen allele CA3074076.

ClinVar aggregate classification (germline): Uncertain significance. Review status: criteria provided, multiple submitters, no conflicts (2 of 4 stars). 4 submissions from 4 submitters: Uncertain significance (4). Last evaluated 2024-09-27.

Conditions:
Van Maldergem syndrome 2 (VMLDS2). Identifiers: Orphanet 314679, MedGen C3809875, MONDO:0014242, OMIM 615546.
Hennekam lymphangiectasia-lymphedema syndrome 2 (HKLLS2). Identifiers: Orphanet 2136, MedGen C4014939, MONDO:0014454, OMIM 616006.
Inborn genetic diseases. Identifiers: MedGen C0950123, MeSH D030342.

Allele frequency attached by ClinVar (database versions not stated): gnomAD 0.00006 and 0.00007; ESP Exome Variant Server 0.00015.
gnomAD v4.1: 45 of 1,524,754 alleles (0.003%); highest among the groups gnomAD compares: African/African-American, 0.016%; no homozygotes.

Submissions (4):

Ambry Genetics
Classification: Uncertain significance for Inborn genetic diseases. Last evaluated: 2024-09-27. Review status: criteria provided, single submitter. Criteria: Ambry Variant Classification Scheme 2023. Collection method: clinical testing. Allele origin: germline.

Labcorp Genetics (formerly Invitae), Labcorp
Classification: Uncertain significance. Last evaluated: 2024-07-01. Review status: criteria provided, single submitter. Criteria: Invitae Variant Classification Sherloc (09022015). Collection method: clinical testing. Allele origin: germline.
Comment: This sequence change replaces isoleucine, which is neutral and non-polar, with valine, which is neutral and non-polar, at codon 4118 of the FAT4 protein (p.Ile4118Val). This variant is present in population databases (rs372543077, gnomAD 0.03%). This variant has not been reported in the literature in individuals affected with FAT4-related conditions. ClinVar contains an entry for this variant (Variation ID: 1191299). Advanced modeling of protein sequence and biophysical properties (such as structural, functional, and spatial information, amino acid conservation, physicochemical variation, residue mobility, and thermodynamic stability) performed at Invitae indicates that this missense variant is not expected to disrupt FAT4 protein function with a negative predictive value of 95%. In summary, the available evidence is currently insufficient to determine the role of this variant in disease. Therefore, it has been classified as a Variant of Uncertain Significance.

Fulgent Genetics
Classification: Uncertain significance for Van Maldergem syndrome 2; Hennekam lymphangiectasia-lymphedema syndrome 2. Last evaluated: 2024-01-22. Review status: criteria provided, single submitter. Criteria: ACMG Guidelines, 2015. Collection method: clinical testing. Allele origin: germline.

GeneDx
Classification: Uncertain significance. Last evaluated: 2021-04-26. Review status: criteria provided, single submitter. Criteria: GeneDx Variant Classification Process June 2021. Collection method: clinical testing. Allele origin: germline. Affected: yes.
Comment: In silico analysis supports that this missense variant does not alter protein structure/function; Has not been previously published as pathogenic or benign to our knowledge